The following is an entry in ClinVar:

NM_004370.6(COL12A1):c.9172G>A (p.Gly3058Ser)

Gene: COL12A1 (collagen type XII alpha 1 chain; minus strand). Cytogenetic location: 6q13.
Variant type: single nucleotide variant.
Coding change: c.9172G>A on transcript NM_004370.6 (MANE Select); coding-DNA position 9172, G replaced by A.
Protein change: p.Gly3058Ser; replaces glycine 3058 with serine.
Molecular consequence: missense variant.
Genome position (GRCh38, 1-based): chr6:75,087,586, C>T on the plus strand (G>A on the coding strand, the complement: COL12A1 is on the minus strand). VCF-style: chr6-75087586-C-T. GRCh37 (hg19) VCF-style: chr6-75797302-C-T.
Other names: c.5680G>A, p.Gly1894Ser (NM_080645.3); short protein forms G3058S, G1894S.
Identifiers: ClinVar variation 259358 (VCV000259358.23), dbSNP rs970547, ClinGen allele CA3892007.

ClinVar aggregate classification (germline): Benign/Likely benign. Review status: criteria provided, multiple submitters, no conflicts (2 of 4 stars). 10 submissions from 9 submitters: Benign (7); Likely benign (1). 2 of the submissions do not count toward it. Last evaluated 2026-02-04.

Conditions:
Ullrich congenital muscular dystrophy 2 (UCMD2). Identifiers: Orphanet 75840, MedGen C4225314, MONDO:0014654, OMIM 616470.
Bethlem myopathy 2 (BTHLM2). Identifiers: Orphanet 536516, Orphanet 610, MedGen C4225313, MONDO:0034022, OMIM 616471.

Allele frequency attached by ClinVar (database versions not stated): 1000 Genomes Project 0.71186; 1000 Genomes Project 30x 0.71408; gnomAD 0.72609 and 0.72620; TOPMed 0.73375; ESP Exome Variant Server 0.74475; ExAC 0.74513; gnomAD exomes 0.74696 and 0.76420.
gnomAD v4.1: 1,225,922 of 1,613,022 alleles (76%); highest among the groups gnomAD compares: Admixed American, 81%; 468,079 homozygotes.

Submissions (10):

Labcorp Genetics (formerly Invitae), Labcorp
Classification: Benign for Bethlem myopathy 2; Ullrich congenital muscular dystrophy 2. Last evaluated: 2026-02-04. Review status: criteria provided, single submitter. Criteria: Invitae Variant Classification Sherloc (09022015). Collection method: clinical testing. Allele origin: germline.

Women's Health and Genetics/Laboratory Corporation of America, LabCorp
Classification: Benign. Last evaluated: 2026-01-21. Review status: criteria provided, single submitter. Criteria: LabCorp Variant Classification Summary - May 2015. Collection method: clinical testing. Allele origin: germline.

Blueprint Genetics
Classification: Likely benign. Last evaluated: 2024-11-27. Review status: criteria provided, single submitter. Criteria: ACMG Guidelines, 2015. Collection method: clinical testing. Allele origin: germline.

Mayo Clinic Laboratories, Mayo Clinic
Classification: Benign. Last evaluated: 2022-03-17. Review status: criteria provided, single submitter. Criteria: ACMG Guidelines, 2015. Collection method: clinical testing. Allele origin: germline. Observed: 3,585 variant alleles.
Comment: BA1

Genome-Nilou Lab
Classification: Benign for Ullrich congenital muscular dystrophy 2. Last evaluated: 2021-07-22. Review status: criteria provided, single submitter. Criteria: ACMG Guidelines, 2015. Collection method: clinical testing. Allele origin: germline. Affected: no.

Genome-Nilou Lab
Classification: Benign for Bethlem myopathy 2. Last evaluated: 2021-07-22. Review status: criteria provided, single submitter. Criteria: ACMG Guidelines, 2015. Collection method: clinical testing. Allele origin: germline. Affected: no.

GeneDx
Classification: Benign. Last evaluated: 2018-07-09. Review status: criteria provided, single submitter. Criteria: GeneDx Variant Classification Process June 2021. Collection method: clinical testing. Allele origin: germline. Affected: yes.
Comment: This variant is associated with the following publications: (PMID: 16741161)

PreventionGenetics, part of Exact Sciences
Classification: Benign. Review status: criteria provided, single submitter. Criteria: ACMG Guidelines, 2015. Collection method: clinical testing. Allele origin: germline.

Clinical Genetics, Academic Medical Center
Classification: Benign. Review status: no assertion criteria provided. Collection method: clinical testing. Allele origin: germline. Affected: yes. Study: VKGL Data-share Consensus. Not counted in ClinVar's aggregate classification.

Genome Diagnostics Laboratory, Amsterdam University Medical Center
Classification: Benign. Review status: no assertion criteria provided. Collection method: clinical testing. Allele origin: germline. Affected: yes. Study: VKGL Data-share Consensus. Not counted in ClinVar's aggregate classification.